The following is an entry in ClinVar:

ClinVar aggregate classification (germline): Uncertain significance (1 of 4 stars; one submission).

Allele frequency attached by ClinVar (database versions not stated): TOPMed 0.00001.
gnomAD v4.1: 1 of 1,613,770 alleles (0.000062%); no homozygotes.

Submission:

Labcorp Genetics (formerly Invitae), Labcorp
Classification: Uncertain significance. Last evaluated: 2023-05-23. Review status: criteria provided, single submitter. Criteria: Invitae Variant Classification Sherloc (09022015). Collection method: clinical testing. Allele origin: germline.
Comment: In summary, the available evidence is currently insufficient to determine the role of this variant in disease. Therefore, it has been classified as a Variant of Uncertain Significance. Advanced modeling of protein sequence and biophysical properties (such as structural, functional, and spatial information, amino acid conservation, physicochemical variation, residue mobility, and thermodynamic stability) performed at Invitae indicates that this missense variant is not expected to disrupt MYO5A protein function. ClinVar contains an entry for this variant (Variation ID: 1519240). This variant has not been reported in the literature in individuals affected with MYO5A-related conditions. This variant is not present in population databases (gnomAD no frequency). This sequence change replaces leucine, which is neutral and non-polar, with isoleucine, which is neutral and non-polar, at codon 1060 of the MYO5A protein (p.Leu1060Ile).

NM_001382347.1(MYO5A):c.3178T>A (p.Leu1060Ile)

Gene: MYO5A (myosin VA; minus strand). Cytogenetic location: 15q21.2.
Variant type: single nucleotide variant.
Coding change: c.3178T>A on transcript NM_001382347.1 (MANE Select); coding-DNA position 3178, T replaced by A.
Protein change: p.Leu1060Ile; replaces leucine 1060 with isoleucine.
Molecular consequence: missense variant.
Genome position (GRCh38, 1-based): chr15:52,364,685, A>T on the plus strand (T>A on the coding strand, the complement: MYO5A is on the minus strand). VCF-style: chr15-52364685-A-T. GRCh37 (hg19) VCF-style: chr15-52656882-A-T.
Other names: c.3178T>A, p.Leu1060Ile (NM_000259.3, NM_001142495.2); c.3250T>A, p.Leu1084Ile (NM_001382348.1, NM_001382349.1); short protein forms L1084I, L1060I.
Identifiers: ClinVar variation 1519240 (VCV001519240.6), dbSNP rs2040724317, ClinGen allele CA392517947.